The following is an entry in ClinVar:

NM_016008.4(DYNC2LI1):c.507+5G>A

Gene: DYNC2LI1 (dynein cytoplasmic 2 light intermediate chain 1; plus strand). Cytogenetic location: 2p21.
Variant type: single nucleotide variant.
Coding change: c.507+5G>A on transcript NM_016008.4 (MANE Select); 5 bases into the intron after coding-DNA position 507, G replaced by A.
Molecular consequence: intron variant. On other transcripts: missense variant (1).
Genome position (GRCh38, 1-based): chr2:43,794,648, G>A. VCF-style: chr2-43794648-G-A. GRCh37 (hg19) VCF-style: chr2-44021787-G-A.
Other names: c.512G>A, p.Ser171Asn (NM_015522.4); c.507+5G>A (NM_001348913.2, NM_001348912.2, NM_001193464.2); short protein forms S171N.
Identifiers: ClinVar variation 2070590 (VCV002070590.4), dbSNP rs764641476, ClinGen allele CA1635853.

ClinVar aggregate classification (germline): Uncertain significance (1 of 4 stars; one submission).

Allele frequency attached by ClinVar (database versions not stated): TOPMed 0.00004; gnomAD exomes 0.00010; ExAC 0.00011; gnomAD 0.00013.
gnomAD v4.1: 155 of 1,613,952 alleles (0.0096%); highest among the groups gnomAD compares: Non-Finnish European, 0.0041%; no homozygotes.

Submission:

Labcorp Genetics (formerly Invitae), Labcorp
Classification: Uncertain significance. Last evaluated: 2026-01-17. Review status: criteria provided, single submitter. Criteria: Invitae Variant Classification Sherloc (09022015). Collection method: clinical testing. Allele origin: germline.
Comment: This sequence change falls in intron 6 of the DYNC2LI1 gene. It does not directly change the encoded amino acid sequence of the DYNC2LI1 protein. It affects a nucleotide within the consensus splice site. This variant is present in population databases (rs764641476, gnomAD 0.2%). This variant has not been reported in the literature in individuals affected with DYNC2LI1-related conditions. ClinVar contains an entry for this variant (Variation ID: 2070590). Variants that disrupt the consensus splice site are a relatively common cause of aberrant splicing (PMID: 17576681, 9536098). Algorithms developed to predict the effect of sequence changes on RNA splicing suggest that this variant may disrupt the consensus splice site. In summary, the available evidence is currently insufficient to determine the role of this variant in disease. Therefore, it has been classified as a Variant of Uncertain Significance.

Literature cited by the submitters: PubMed 17576681; PubMed 9536098.